The following is an entry in ClinVar:

ClinVar aggregate classification (germline): Pathogenic/Likely pathogenic. Review status: criteria provided, multiple submitters, no conflicts (2 of 4 stars). 6 submissions from 6 submitters: Pathogenic (4); Likely pathogenic (1). 1 of the submissions does not count toward it. Last evaluated 2025-01-02.

Conditions:
Familial cancer of breast. Also called: Hereditary breast cancer; hereditary breast carcinoma; BREAST CANCER, FAMILIAL. Identifiers: Orphanet 227535, MedGen C0346153, MONDO:0016419, OMIM 114480. Disease mechanism: loss of function.
Hereditary cancer-predisposing syndrome. Also called: Neoplastic Syndromes, Hereditary; Hereditary Cancer Syndrome; Tumor predisposition; Hereditary neoplastic syndrome. Identifiers: Orphanet 140162, MedGen C0027672, MeSH D009386, MONDO:0015356.

Submissions (6):

Ambry Genetics
Classification: Pathogenic for Hereditary cancer-predisposing syndrome. Last evaluated: 2025-01-02. Review status: criteria provided, single submitter. Criteria: Ambry Variant Classification Scheme 2023. Collection method: clinical testing. Allele origin: germline.
Comment: The c.1227_1231delTGTTA pathogenic mutation, located in coding exon 4 of the PALB2 gene, results from a deletion of 5 nucleotides at nucleotide positions 1227 to 1231, causing a translational frameshift with a predicted alternate stop codon (p.Y409*). This variant is considered to be rare based on population cohorts in the Genome Aggregation Database (gnomAD). This alteration is expected to result in loss of function by premature protein truncation or nonsense-mediated mRNA decay. As such, this alteration is interpreted as a disease-causing mutation.

Myriad Genetics, Inc.
Classification: Pathogenic for Familial cancer of breast. Last evaluated: 2023-09-08. Review status: criteria provided, single submitter. Criteria: Myriad Autosomal Dominant, Autosomal Recessive and X-Linked Classification Criteria (2023). Collection method: clinical testing. Allele origin: unknown.
Comment: This variant is considered pathogenic. This variant creates a termination codon and is predicted to result in premature protein truncation.

Baylor Genetics
Classification: Pathogenic for Familial cancer of breast. Last evaluated: 2022-04-25. Review status: criteria provided, single submitter. Criteria: ACMG Guidelines, 2015. Collection method: clinical testing. Allele origin: unknown.

Labcorp Genetics (formerly Invitae), Labcorp
Classification: Pathogenic for Familial cancer of breast. Last evaluated: 2022-03-13. Review status: criteria provided, single submitter. Criteria: Invitae Variant Classification Sherloc (09022015). Collection method: clinical testing. Allele origin: germline.
Comment: ClinVar contains an entry for this variant (Variation ID: 546043). This premature translational stop signal has been observed in individual(s) with breast cancer and/or melanoma (PMID: 24136930, 27616075). This variant is not present in population databases (gnomAD no frequency). This sequence change creates a premature translational stop signal (p.Tyr409*) in the PALB2 gene. It is expected to result in an absent or disrupted protein product. Loss-of-function variants in PALB2 are known to be pathogenic (PMID: 17200668, 17200671, 17200672, 24136930, 25099575). For these reasons, this variant has been classified as Pathogenic.

GeneDx
Classification: Likely pathogenic. Last evaluated: 2017-08-15. Review status: criteria provided, single submitter. Criteria: GeneDx Variant Classification (06012015). Collection method: clinical testing. Allele origin: germline. Affected: yes.
Comment: This deletion of five nucleotides is denoted PALB2 c.1227_1231delTGTTA at the cDNA level and p.Tyr409Ter (Y409X) at the protein level. The normal sequence, with the bases that are deleted in brackets, is ATTA[delTGTTA]GAAC. The deletion creates a nonsense variant, which changes a Tyrosine to a premature stop codon. This variant is predicted to cause loss of normal protein function through either protein truncation or nonsense-mediated mRNA decay. PALB2 c.1227_1231delTGTTA, previously reported as PALB2 c.1227_1231del5, has been observed in at least two individuals with a personal and family history of breast cancer, as well as one individual with a personal history of ovarian cancer (Janatova 2013, Ramus 2015, Kraus 2017). This variant is considered likely pathogenic.

Leiden Open Variation Database
Classification: Pathogenic for Familial cancer of breast. Last evaluated: 2019-05-13. Review status: no assertion criteria provided. Collection method: curation. Allele origin: germline. Affected: yes. Not counted in ClinVar's aggregate classification.
Comment: Curators: Marc Tischkowitz, Arleen D. Auerbach. Submitter to LOVD: Marc Tischkowitz.

Literature cited by the submitters: PubMed 24136930 (cited by Labcorp Genetics (formerly Invitae), Labcorp and Leiden Open Variation Database); PubMed 27616075 (cited by Labcorp Genetics (formerly Invitae), Labcorp); PubMed 17200668 (cited by Labcorp Genetics (formerly Invitae), Labcorp); PubMed 17200671 (cited by Labcorp Genetics (formerly Invitae), Labcorp); PubMed 17200672 (cited by Labcorp Genetics (formerly Invitae), Labcorp); PubMed 25099575 (cited by Labcorp Genetics (formerly Invitae), Labcorp).

NM_024675.4(PALB2):c.1227_1231del (p.Tyr409_Arg411delinsTer)

Gene: PALB2 (partner and localizer of BRCA2; minus strand). Cytogenetic location: 16p12.2.
Variant type: Deletion.
Coding change: c.1227_1231del on transcript NM_024675.4 (MANE Select); coding-DNA positions 1227 to 1231, 5 bases deleted (TGTTA; older notation c.1227_1231delTGTTA).
Protein change: p.Tyr409_Arg411delinsTer.
Molecular consequence: nonsense.
Genome position (GRCh38, 1-based): chr16:23,635,315-23,635,319, TAACA deleted on the plus strand (TGTTA on the coding strand, the reverse complement: PALB2 is on the minus strand); deleting any 5 consecutive bases within chr16:23,635,315-23,635,322 gives the same sequence; the c. name uses the placement nearest the transcript's 3' end. VCF-style (leftmost placement, unchanged base first): chr16-23635314-CTAACA-C. GRCh37 (hg19) VCF-style: chr16-23646635-CTAACA-C.
Other names: NM_024675.3:c.1227_1231del; c.1227_1231delTGTTA (NM_024675.3).
Identifiers: ClinVar variation 546043 (VCV000546043.15), dbSNP rs1555461385, ClinGen allele CA16621924.